The following is an entry in ClinVar:

ClinVar aggregate classification (germline): Uncertain significance (1 of 4 stars; one submission).

Submission:

Labcorp Genetics (formerly Invitae), Labcorp
Classification: Uncertain significance. Last evaluated: 2022-08-23. Review status: criteria provided, single submitter. Criteria: Invitae Variant Classification Sherloc (09022015). Collection method: clinical testing. Allele origin: germline.
Comment: This variant is not present in population databases (gnomAD no frequency). This sequence change affects the initiator methionine of the SIX2 mRNA. The next in-frame methionine is located at codon 3. This variant has not been reported in the literature in individuals affected with SIX2-related conditions. Experimental studies and prediction algorithms are not available or were not evaluated, and the functional significance of this variant is currently unknown. In summary, the available evidence is currently insufficient to determine the role of this variant in disease. Therefore, it has been classified as a Variant of Uncertain Significance.

NM_016932.5(SIX2):c.1A>G (p.Met1Val)

Gene: SIX2 (SIX homeobox 2; minus strand). Cytogenetic location: 2p21.
Variant type: single nucleotide variant.
Coding change: c.1A>G on transcript NM_016932.5 (MANE Select); coding-DNA position 1, A replaced by G.
Protein change: p.Met1Val; changes the start codon (methionine 1).
Molecular consequence: missense variant, initiator codon variant.
Genome position (GRCh38, 1-based): chr2:45,009,110, T>C on the plus strand (A>G on the coding strand, the complement: SIX2 is on the minus strand). VCF-style: chr2-45009110-T-C. GRCh37 (hg19) VCF-style: chr2-45236249-T-C.
Other names: short protein forms M1V.
Identifiers: ClinVar variation 2007252 (VCV002007252.5), dbSNP rs2466633000, ClinGen allele CA346802716.